The following is an entry in ClinVar:

NM_000414.4(HSD17B4):c.*135T>G

Gene: HSD17B4 (hydroxysteroid 17-beta dehydrogenase 4; plus strand). Cytogenetic location: 5q23.1.
Variant type: single nucleotide variant.
Coding change: c.*135T>G on transcript NM_000414.4 (MANE Select); 135 bases downstream of the stop codon, T replaced by G.
Molecular consequence: 3 prime UTR variant.
Genome position (GRCh38, 1-based): chr5:119,542,129, T>G. VCF-style: chr5-119542129-T-G. GRCh37 (hg19) VCF-style: chr5-118877824-T-G.
Other names: c.*135T>G (NM_001199291.3, NM_001199292.2, NM_001292027.2 and 1 more transcripts).
Identifiers: ClinVar variation 350473 (VCV000350473.5), dbSNP rs185522709, ClinGen allele CA10618825.
Genomic context (GRCh38, chr5:119,542,129, plus strand): 5'-AAAAGTGATTAGAACTAAGATGCAGGGGAAATTGCTTAACATTTTCAGATATCAGATAAC[T>G]GCAGATTTTCATTTTCTACTAATTTTTCATGTATCATTATTTTTACAAGGAACTATATAT-3'

ClinVar aggregate classification (germline): Conflicting classifications of pathogenicity. Review status: criteria provided, conflicting classifications (1 of 4 stars). 2 submissions from 1 submitter: Uncertain significance (1); Likely benign (1). Last evaluated 2018-01-13.

Conditions:
Bifunctional peroxisomal enzyme deficiency (DBIF). Also called: DBP DEFICIENCY; PBFE DEFICIENCY; D-bifunctional protein deficiency. Identifiers: Orphanet 300, MedGen C0342870, MONDO:0009855, OMIM 261515. Disease mechanism: loss of function.
Perrault syndrome 1 (PRLTS1). Also called: GONADAL DYSGENESIS, XX TYPE, WITH DEAFNESS; OVARIAN DYSGENESIS WITH SENSORINEURAL DEAFNESS. Identifiers: Orphanet 2855, Orphanet 642945, MedGen C4551721, MONDO:0009300, OMIM 233400.

Allele frequency attached by ClinVar (database versions not stated): gnomAD exomes 0.00033; 1000 Genomes Project 30x 0.00062; gnomAD 0.00064 and 0.00065; TOPMed 0.00076; 1000 Genomes Project 0.00080.
gnomAD v4.1: 280 of 675,384 alleles (0.041%); highest among the groups gnomAD compares: African/African-American, 0.13%; 1 homozygote.

Submissions (2):

Illumina Laboratory Services, Illumina
Classification: Uncertain significance for Bifunctional peroxisomal enzyme deficiency. Last evaluated: 2018-01-13. Review status: criteria provided, single submitter. Criteria: ICSL Variant Classification Criteria 13 December 2019. Collection method: clinical testing. Allele origin: germline.

Illumina Laboratory Services, Illumina
Classification: Likely benign for Perrault syndrome 1. Last evaluated: 2018-01-13. Review status: criteria provided, single submitter. Criteria: ICSL Variant Classification Criteria 13 December 2019. Collection method: clinical testing. Allele origin: germline.
Comment: This variant was observed in the ICSL laboratory as part of a predisposition screen in an ostensibly healthy population. It had not been previously curated by ICSL or reported in the Human Gene Mutation Database (HGMD: prior to June 1st, 2018), and was therefore a candidate for classification through an automated scoring system. Utilizing variant allele frequency, disease prevalence and penetrance estimates, and inheritance mode, an automated score was calculated to assess if this variant is too frequent to cause the disease. Based on the score and internal cut-off values, a variant classified as likely benign is not then subjected to further curation. The score for this variant resulted in a classification of likely benign for this disease.